The following is an entry in ClinVar:

ClinVar aggregate classification (germline): Uncertain significance (1 of 4 stars; one submission).

Conditions:
RAI1-related disorder. Also called: RAI1-related condition.

Submission:

PreventionGenetics, part of Exact Sciences
Classification: Uncertain significance for RAI1-related condition. Last evaluated: 2024-10-11. Review status: criteria provided, single submitter. Criteria: ACMG Guidelines, 2015. Collection method: clinical testing. Allele origin: germline.
Comment: The RAI1 c.2608G>A variant is predicted to result in the amino acid substitution p.Glu870Lys. To our knowledge, this variant has not been reported in the literature. This variant is reported in 0.0% of alleles in individuals of African descent in gnomAD. At this time, the clinical significance of this variant is uncertain due to the absence of conclusive functional and genetic evidence.

NM_030665.4(RAI1):c.2608G>A (p.Glu870Lys)

Gene: RAI1 (retinoic acid induced 1; plus strand). Cytogenetic location: 17p11.2.
Variant type: single nucleotide variant.
Coding change: c.2608G>A on transcript NM_030665.4 (MANE Select); coding-DNA position 2608, G replaced by A.
Protein change: p.Glu870Lys; replaces glutamic acid 870 with lysine.
Molecular consequence: missense variant.
Genome position (GRCh38, 1-based): chr17:17,795,556, G>A. VCF-style: chr17-17795556-G-A. GRCh37 (hg19) VCF-style: chr17-17698870-G-A.
Other names: short protein forms E870K.
Identifiers: ClinVar variation 4997828 (VCV004997828.1).